The following is an entry in ClinVar:

NM_000094.4(COL7A1):c.8101G>A (p.Gly2701Arg)

Gene: COL7A1 (collagen type VII alpha 1 chain; minus strand). Cytogenetic location: 3p21.31.
Variant type: single nucleotide variant.
Coding change: c.8101G>A on transcript NM_000094.4 (MANE Select); coding-DNA position 8101, G replaced by A.
Protein change: p.Gly2701Arg; replaces glycine 2701 with arginine.
Molecular consequence: missense variant.
Genome position (GRCh38, 1-based): chr3:48,567,136, C>T on the plus strand (G>A on the coding strand, the complement: COL7A1 is on the minus strand). VCF-style: chr3-48567136-C-T. GRCh37 (hg19) VCF-style: chr3-48604569-C-T.
Other names: short protein forms G2701R.
Identifiers: ClinVar variation 2634373 (VCV002634373.1), dbSNP rs1575418015, ClinGen allele CA352640430.

ClinVar aggregate classification (germline): Likely pathogenic (1 of 4 stars; one submission).

Conditions:
COL7A1-related disorder. Also called: COL7A1- related disorders; COL7A1-related condition.

Submission:

PreventionGenetics, part of Exact Sciences
Classification: Likely pathogenic for COL7A1-related condition. Last evaluated: 2023-02-13. Review status: criteria provided, single submitter. Criteria: ACMG Guidelines, 2015. Collection method: clinical testing. Allele origin: germline.
Comment: The COL7A1 c.8101G>A variant is predicted to result in the amino acid substitution p.Gly2701Arg. To our knowledge, this variant has not been reported in the literature or in a large population database, indicating this variant is rare. This variant impacts a glycine residue with the highly conserved collagen triple helical domain (Gly-X-Y) where glycine substitutions are known to be pathogenic. Of note, other variants impacting this glycine residue (p.Gly2701Trp and p.Gly2701Glu) have been reported in patients with epidermolysis bullosa (Jiang et al. 2012. PubMed ID: 21879237; Yu et al. 2021. PubMed ID: 34046686). Based on this evidence, we interpret the c.8101G>A (p.Gly2701Arg) variant as likely pathogenic.